The following is an entry in ClinVar:

NM_006440.5(TXNRD2):c.917C>G (p.Thr306Arg)

Gene: TXNRD2 (thioredoxin reductase 2; minus strand). Cytogenetic location: 22q11.21.
Variant type: single nucleotide variant.
Coding change: c.917C>G on transcript NM_006440.5 (MANE Select); coding-DNA position 917, C replaced by G.
Protein change: p.Thr306Arg; replaces threonine 306 with arginine.
Molecular consequence: missense variant. On other transcripts: non-coding transcript variant (1).
Genome position (GRCh38, 1-based): chr22:19,895,439, G>C on the plus strand (C>G on the coding strand, the complement: TXNRD2 is on the minus strand). VCF-style: chr22-19895439-G-C. GRCh37 (hg19) VCF-style: chr22-19882962-G-C.
Other names: c.917C>G, p.Thr306Arg (NM_001282512.3); c.914C>G, p.Thr305Arg (NM_001352300.2); c.827C>G, p.Thr276Arg (NM_001352301.2); c.629C>G, p.Thr210Arg (NM_001352302.2); c.821C>G, p.Thr274Arg (NM_001352303.2); short protein forms T276R, T274R, T305R, T210R, T306R.
Identifiers: ClinVar variation 1932675 (VCV001932675.7), dbSNP rs371153395, ClinGen allele CA410686423.

ClinVar aggregate classification (germline): Uncertain significance. Review status: criteria provided, multiple submitters, no conflicts (2 of 4 stars). 2 submissions from 2 submitters: Uncertain significance (2). Last evaluated 2023-12-06.

Conditions:
Cardiovascular phenotype. Identifiers: MedGen CN230736.
Primary dilated cardiomyopathy (DCM). Also called: Dilated Cardiomyopathy. Identifiers: Orphanet 217604, MedGen C0007193, MeSH D002311, MONDO:0005021, HP:0001644. Inheritance: Various modes of inheritance.

gnomAD v4.1: 8 of 1,613,932 alleles (0.0005%); highest among the groups gnomAD compares: Non-Finnish European, 0.00068%; no homozygotes.

Submissions (2):

Labcorp Genetics (formerly Invitae), Labcorp
Classification: Uncertain significance for Primary dilated cardiomyopathy. Last evaluated: 2023-12-06. Review status: criteria provided, single submitter. Criteria: Invitae Variant Classification Sherloc (09022015). Collection method: clinical testing. Allele origin: germline.
Comment: This sequence change replaces threonine, which is neutral and polar, with arginine, which is basic and polar, at codon 306 of the TXNRD2 protein (p.Thr306Arg). This variant is not present in population databases (gnomAD no frequency). This variant has not been reported in the literature in individuals affected with TXNRD2-related conditions. ClinVar contains an entry for this variant (Variation ID: 1932675). Advanced modeling of protein sequence and biophysical properties (such as structural, functional, and spatial information, amino acid conservation, physicochemical variation, residue mobility, and thermodynamic stability) performed at Invitae indicates that this missense variant is not expected to disrupt TXNRD2 protein function with a negative predictive value of 80%. In summary, the available evidence is currently insufficient to determine the role of this variant in disease. Therefore, it has been classified as a Variant of Uncertain Significance.

Ambry Genetics
Classification: Uncertain significance for Cardiovascular phenotype. Last evaluated: 2023-05-14. Review status: criteria provided, single submitter. Criteria: Ambry Variant Classification Scheme 2023. Collection method: clinical testing. Allele origin: germline.
Comment: The p.T306R variant (also known as c.917C>G), located in coding exon 11 of the TXNRD2 gene, results from a C to G substitution at nucleotide position 917. The threonine at codon 306 is replaced by arginine, an amino acid with similar properties. This amino acid position is conserved. In addition, this alteration is predicted to be tolerated by in silico analysis. Since supporting evidence is limited at this time, the clinical significance of this alteration remains unclear.